The following is an entry in ClinVar:

NM_001256627.2(BRSK2):c.544G>A (p.Ala182Thr)

Gene: BRSK2 (BR serine/threonine kinase 2; plus strand). Cytogenetic location: 11p15.5.
Variant type: single nucleotide variant.
Coding change: c.544G>A on transcript NM_001256627.2 (MANE Select); coding-DNA position 544, G replaced by A.
Protein change: p.Ala182Thr; replaces alanine 182 with threonine.
Molecular consequence: missense variant. On other transcripts: non-coding transcript variant (1).
Genome position (GRCh38, 1-based): chr11:1,443,119, G>A. VCF-style: chr11-1443119-G-A. GRCh37 (hg19) VCF-style: chr11-1464349-G-A.
Other names: c.544G>A, p.Ala182Thr (NM_001256629.2, NM_001440665.1, NM_001440666.1 and 3 more transcripts); c.682G>A, p.Ala228Thr (NM_001256630.1, NM_001440667.1); c.364G>A, p.Ala122Thr (NM_001282218.2, NM_001440669.1, NM_001440671.1 and 5 more transcripts); short protein forms A122T, A182T, A228T.
Identifiers: ClinVar variation 4082618 (VCV004082618.1).

ClinVar aggregate classification (germline): Uncertain significance (1 of 4 stars; one submission).

gnomAD v4.1: 2 of 1,535,824 alleles (0.00013%); highest among the groups gnomAD compares: Non-Finnish European, 0.00017%; no homozygotes.

Submission:

GeneDx
Classification: Uncertain significance. Last evaluated: 2025-02-24. Review status: criteria provided, single submitter. Criteria: GeneDx Variant Classification Process June 2021. Collection method: clinical testing. Allele origin: germline. Affected: yes.
Comment: Not observed at significant frequency in large population cohorts (gnomAD); In silico analysis supports that this missense variant has a deleterious effect on protein structure/function; Has not been previously published as pathogenic or benign to our knowledge